The following is an entry in ClinVar:

NM_014176.4(UBE2T):c.106G>A (p.Ala36Thr)

Gene: UBE2T (ubiquitin conjugating enzyme E2 T; minus strand). Cytogenetic location: 1q32.1.
Variant type: single nucleotide variant.
Coding change: c.106G>A on transcript NM_014176.4 (MANE Select); coding-DNA position 106, G replaced by A.
Protein change: p.Ala36Thr; replaces alanine 36 with threonine.
Molecular consequence: missense variant. On other transcripts: synonymous variant (1).
Genome position (GRCh38, 1-based): chr1:202,335,649, C>T on the plus strand (G>A on the coding strand, the complement: UBE2T is on the minus strand). VCF-style: chr1-202335649-C-T. GRCh37 (hg19) VCF-style: chr1-202304777-C-T.
Other names: c.12G>A, p.Glu4= (NM_001310326.2); short protein forms A36T.
Identifiers: ClinVar variation 2056932 (VCV002056932.22), dbSNP rs200130395, ClinGen allele CA1332460.
Genomic context (GRCh38, chr1:202,335,649, plus strand): 5'-TCAGCACAATCTTCAATAGGGTCATGACTTTCATCATATACATGATTTGATACCTACGAG[C>T]TCGCAGGTCATCCATTTGGTCTTTATCTTGCCAACATGTGATGCCTGGGGGTGGCTCTGT-3'
Protein context (NP_054895.1, residues 26-46): QDKDQMDDLR[Ala36Thr]QILGGANTPY

ClinVar aggregate classification (germline): Conflicting classifications of pathogenicity. Review status: criteria provided, conflicting classifications (1 of 4 stars). 3 submissions from 3 submitters: Uncertain significance (2); Likely benign (1). Last evaluated 2025-10-21.

Allele frequency attached by ClinVar (database versions not stated): ExAC 0.00020; ESP Exome Variant Server 0.00023; gnomAD 0.00025; TOPMed 0.00027; gnomAD exomes 0.00038.
gnomAD v4.1: 607 of 1,613,784 alleles (0.038%); highest among the groups gnomAD compares: Non-Finnish European, 0.047%; no homozygotes.

Submissions (3):

Labcorp Genetics (formerly Invitae), Labcorp
Classification: Uncertain significance. Last evaluated: 2025-10-21. Review status: criteria provided, single submitter. Criteria: Invitae Variant Classification Sherloc (09022015). Collection method: clinical testing. Allele origin: germline.
Comment: This sequence change replaces alanine, which is neutral and non-polar, with threonine, which is neutral and polar, at codon 36 of the UBE2T protein (p.Ala36Thr). This variant is present in population databases (rs200130395, gnomAD 0.04%). This variant has not been reported in the literature in individuals affected with UBE2T-related conditions. ClinVar contains an entry for this variant (Variation ID: 2056932). An algorithm developed to predict the effect of missense changes on protein structure and function (PolyPhen-2) suggests that this variant is likely to be disruptive. In summary, the available evidence is currently insufficient to determine the role of this variant in disease. Therefore, it has been classified as a Variant of Uncertain Significance.

Blueprint Genetics
Classification: Uncertain significance. Last evaluated: 2024-09-26. Review status: criteria provided, single submitter. Criteria: ACMG Guidelines, 2015. Collection method: clinical testing. Allele origin: germline.

CeGaT Center for Human Genetics Tuebingen
Classification: Likely benign. Last evaluated: 2024-07-01. Review status: criteria provided, single submitter. Criteria: CeGaT Center For Human Genetics Tuebingen Variant Classification Criteria Version 2. Collection method: clinical testing. Allele origin: germline. Affected: yes. Observed: 1 variant allele.
Comment: UBE2T: BP4